The following is an entry in ClinVar:

ClinVar aggregate classification (germline): Uncertain significance. Review status: criteria provided, multiple submitters, no conflicts (2 of 4 stars). 2 submissions from 2 submitters: Uncertain significance (2). Last evaluated 2024-01-12.

Conditions:
Mucolipidosis type II. Also called: Mucolipidosis 2; ML 2; Inclusion cell disease; Leroy Disease; N-acetylglucosamine 1phosphotransferase deficiency; ML disorder type 2. Identifiers: Orphanet 576, MedGen C2673377, MONDO:0009650, OMIM 252500.
Pseudo-Hurler polydystrophy. Also called: ML IIIA; Mucolipidosis III Alpha/Beta; MUCOLIPIDOSIS IIIA; ML III; ML III ALPHA/BETA; Type III Mucolipidosis. Identifiers: Orphanet 423461, Orphanet 577, MedGen C0033788, MONDO:0018931, OMIM 252600.

Allele frequency attached by ClinVar (database versions not stated): gnomAD 0.00003; TOPMed 0.00001.
gnomAD v4.1: 26 of 1,613,822 alleles (0.0016%); highest among the groups gnomAD compares: Admixed American, 0.0033%; no homozygotes.

Submissions (2):

Women's Health and Genetics/Laboratory Corporation of America, LabCorp
Classification: Uncertain significance. Last evaluated: 2024-01-12. Review status: criteria provided, single submitter. Criteria: LabCorp Variant Classification Summary - May 2015. Collection method: clinical testing. Allele origin: germline.
Comment: Variant summary: GNPTAB c.1847C>T (p.Thr616Met) results in a non-conservative amino acid change in the encoded protein sequence. Five of five in-silico tools predict a damaging effect of the variant on protein function. The variant allele was found at a frequency of 1.6e-05 in 251310 control chromosomes (gnomAD). The available data on variant occurrences in the general population are insufficient to allow any conclusion about variant significance. To our knowledge, no occurrence of c.1847C>T in individuals affected with Mucolipidosis and no experimental evidence demonstrating its impact on protein function have been reported. ClinVar contains an entry for this variant (Variation ID: 2201032). Based on the evidence outlined above, the variant was classified as uncertain significance.

Labcorp Genetics (formerly Invitae), Labcorp
Classification: Uncertain significance for Pseudo-Hurler polydystrophy; Mucolipidosis type II. Last evaluated: 2022-05-18. Review status: criteria provided, single submitter. Criteria: Invitae Variant Classification Sherloc (09022015). Collection method: clinical testing. Allele origin: germline.
Comment: This sequence change replaces threonine, which is neutral and polar, with methionine, which is neutral and non-polar, at codon 616 of the GNPTAB protein (p.Thr616Met). This variant is present in population databases (rs780754017, gnomAD 0.006%). This variant has not been reported in the literature in individuals affected with GNPTAB-related conditions. Algorithms developed to predict the effect of missense changes on protein structure and function are either unavailable or do not agree on the potential impact of this missense change (SIFT: "Deleterious"; PolyPhen-2: "Probably Damaging"; Align-GVGD: "Class C0"). In summary, the available evidence is currently insufficient to determine the role of this variant in disease. Therefore, it has been classified as a Variant of Uncertain Significance.

Literature cited by the submitters: PubMed 31785789 (cited by Women's Health and Genetics/Laboratory Corporation of America, LabCorp).

NM_024312.5(GNPTAB):c.1847C>T (p.Thr616Met)

Gene: GNPTAB (N-acetylglucosamine-1-phosphate transferase subunits alpha and beta; minus strand). Cytogenetic location: 12q23.2.
Variant type: single nucleotide variant.
Coding change: c.1847C>T on transcript NM_024312.5 (MANE Select); coding-DNA position 1847, C replaced by T.
Protein change: p.Thr616Met; replaces threonine 616 with methionine.
Molecular consequence: missense variant.
Genome position (GRCh38, 1-based): chr12:101,765,070, G>A on the plus strand (C>T on the coding strand, the complement: GNPTAB is on the minus strand). VCF-style: chr12-101765070-G-A. GRCh37 (hg19) VCF-style: chr12-102158848-G-A.
Other names: short protein forms T616M.
Identifiers: ClinVar variation 2201032 (VCV002201032.2), dbSNP rs780754017, ClinGen allele CA6746519.